The following is an entry in ClinVar:

ClinVar aggregate classification (germline): Pathogenic/Likely pathogenic. Review status: criteria provided, multiple submitters, no conflicts (2 of 4 stars). 6 submissions from 6 submitters: Pathogenic (5); Likely pathogenic (1). Last evaluated 2025-12-09.

Conditions:
Hereditary nonpolyposis colorectal neoplasms. Identifiers: MedGen C0009405, MeSH D003123.
MSH6-related disorder. Also called: MSH6-related condition; MSH6-Related disorders.
Hereditary cancer-predisposing syndrome. Also called: Neoplastic Syndromes, Hereditary; Tumor predisposition; Hereditary Cancer Syndrome; Hereditary neoplastic syndrome. Identifiers: Orphanet 140162, MedGen C0027672, MeSH D009386, MONDO:0015356.
Lynch syndrome 5 (LYNCH5). Also called: Colorectal cancer, hereditary nonpolyposis, type 5; Hereditary non-polyposis colorectal cancer, type 5. Identifiers: Orphanet 144, MedGen C1833477, MONDO:0013710, OMIM 614350. Disease mechanism: loss of function.

Submissions (6):

PreventionGenetics, part of Exact Sciences
Classification: Pathogenic for MSH6-related condition. Last evaluated: 2025-12-09. Review status: criteria provided, single submitter. Criteria: ACMG Guidelines, 2015. Collection method: clinical testing. Allele origin: germline.
Comment: The MSH6 c.3556+1G>A variant is predicted to disrupt the GT donor site and interfere with normal splicing. This variant has been reported in the homozygous state in a child with diffuse pediatric-type high-grade giloma (dpHGG) and constitutional mismatch repair deficiency (CMMRD) (Moreno et al. 2025. PubMed ID: 40880425). It has also been reported along with a second pathogenic MSH6 variant in an individual who was found to have vaginal endometriosis associated malignancy prior to being diagnosed with Lynch syndrome (Kuang et al. 2025. PubMed ID: 41133161). An alternate variant affecting this splice donor site, c.3556+1G>T, has been reported in and individual with ovarian cancer (Hirotsu et al. 2015. PubMed ID: 26436112). Functional studies of this splice donor site demonstrated reduced mRNA expression levels, elevated MSI and absent MSH6 protein expression, indicating disruption of mismatch repair and increased tumorigenesis (Hirotsu et al. 2015. PubMed ID: 26436112). This variant has not been reported in a large population database (gnomAD), indicating this variant is rare. It is classified as likely pathogenic/pathogenic in ClinVar (Variation ID: 410489). Variants that disrupt the consensus splice donor site in MSH6 are expected to be pathogenic. This variant is interpreted as pathogenic.

Labcorp Genetics (formerly Invitae), Labcorp
Classification: Pathogenic for Hereditary nonpolyposis colorectal neoplasms. Last evaluated: 2025-07-21. Review status: criteria provided, single submitter. Criteria: Invitae Variant Classification Sherloc (09022015). Collection method: clinical testing. Allele origin: germline.
Comment: This sequence change affects a donor splice site in intron 6 of the MSH6 gene. RNA analysis indicates that disruption of this splice site induces altered splicing and may result in an absent or altered protein product. This variant is not present in population databases (gnomAD no frequency). Disruption of this splice site has been observed in individual(s) with clinical features of Lynch syndrome (PMID: 26436112). ClinVar contains an entry for this variant (Variation ID: 410489). Studies have shown that disruption of this splice site results in skipping of exon 6, and produces a non-functional protein and/or introduces a premature termination codon (PMID: 26436112; internal data). For these reasons, this variant has been classified as Pathogenic.

Ambry Genetics
Classification: Pathogenic for Hereditary cancer-predisposing syndrome. Last evaluated: 2025-05-12. Review status: criteria provided, single submitter. Criteria: Ambry Variant Classification Scheme 2023. Collection method: clinical testing. Allele origin: germline.
Comment: The c.3556+1G>A intronic pathogenic mutation results from a G to A substitution one nucleotide after coding exon 6 of the MSH6 gene. In silico splice site analysis predicts that this alteration will weaken the native splice donor site. RNA studies have demonstrated that this alteration results in abnormal splicing in the set of samples tested (Ambry internal data). Other alterations impacting the same donor site (c.3556+1G>T and c.3556+2T>G) have been shown to have a similar impact on splicing and were identified in probands meeting Amsterdam I/II criteria for Lynch syndrome/HNPCC and/or had loss of MSH6 expression in their tumors by immunohistochemistry (Ambry internal data; Hirotsu Y et al. Mol Genet Genomic Med, 2015 Sep;3:459-66). Alterations that disrupt the canonical splice site are expected to cause aberrant splicing, resulting in an abnormal protein or a transcript that is subject to nonsense-mediated mRNA decay. As such, this alteration is classified as a disease-causing mutation.

Color Diagnostics, LLC DBA Color Health
Classification: Pathogenic for Hereditary cancer-predisposing syndrome. Last evaluated: 2024-12-23. Review status: criteria provided, single submitter. Criteria: ACMG Guidelines, 2015. Collection method: clinical testing. Allele origin: germline.
Comment: This variant causes a G>A nucleotide substitution at the +1 position of intron 6 of the MSH6 gene. Splice site prediction tools suggest that this variant may have a significant impact on RNA splicing. Although this prediction has not been confirmed in published RNA studies, this variant is expected to result in an absent or disrupted protein product. This variant has not been reported in individuals affected with MSH6-related disorders in the literature. This variant has not been identified in the general population by the Genome Aggregation Database (gnomAD). Different variants affecting the same splice donor site, c.3556+1G>T and c.3556+1G>C, are described to be disease-causing (ClinVar variation ID: 646634, 572617). The c.3556+1G>T variant has been observed in an individual affected with ovarian cancer, with tumor data showing high macrosatellite instability and loss of MSH6 protein via immunohistochemistry , and analysis performed with patient peripheral blood RNA demonstrated reduced mRNA expression levels compared to controls (PMID: 26436112). Loss of MSH6 function is a known mechanism of disease. Based on the available evidence, this variant is classified as Pathogenic.

GeneDx
Classification: Pathogenic. Last evaluated: 2024-04-19. Review status: criteria provided, single submitter. Criteria: GeneDx Variant Classification Process June 2021. Collection method: clinical testing. Allele origin: germline. Affected: yes.
Comment: Canonical splice site variant predicted to result in a null allele in a gene for which loss of function is a known mechanism of disease; Not observed at significant frequency in large population cohorts (gnomAD); Has not been previously published as pathogenic or benign to our knowledge; This variant is associated with the following publications: (PMID: 26436112)

Myriad Genetics, Inc.
Classification: Likely pathogenic for Lynch syndrome 5. Last evaluated: 2023-08-24. Review status: criteria provided, single submitter. Criteria: Myriad Autosomal Dominant, Autosomal Recessive and X-Linked Classification Criteria (2023). Collection method: clinical testing. Allele origin: unknown.
Comment: This variant is considered likely pathogenic. This variant occurs within a consensus splice junction and is predicted to result in abnormal mRNA splicing of either an out-of-frame exon or an in-frame exon necessary for protein stability and/or normal function.

Literature cited by the submitters: PubMed 26436112 (cited by 3 submitters).

NM_000179.3(MSH6):c.3556+1G>A

Gene: MSH6 (mutS homolog 6; plus strand). Cytogenetic location: 2p16.3.
Variant type: single nucleotide variant.
Coding change: c.3556+1G>A on transcript NM_000179.3 (MANE Select); the canonical splice donor site of the intron after coding-DNA position 3556, G replaced by A.
Molecular consequence: splice donor variant.
Genome position (GRCh38, 1-based): chr2:47,805,028, G>A. VCF-style: chr2-47805028-G-A. GRCh37 (hg19) VCF-style: chr2-48032167-G-A.
Other names: c.3556+1G>A (NM_001406809.1, NM_001406796.1, NM_001406808.1 and 1 more transcripts); c.2650+1G>A (NM_001406811.1, NM_001406814.1, NM_001281493.2 and 6 more transcripts); c.3259+1G>A (NM_001406805.1, NM_001406797.1, NM_001406801.1 and 10 more transcripts); c.3652+1G>A (NM_001406795.1, NM_001406802.1); c.3562+1G>A (NM_001406813.1); c.3031+1G>A (NM_001406807.1, NM_001406799.1, NM_001406806.1); c.3382+1G>A (NM_001406798.1); c.2692+1G>A (NM_001406803.1); and 7 more.
Identifiers: ClinVar variation 410489 (VCV000410489.19), dbSNP rs1060502926, ClinGen allele CA16610973.